The following is an entry in ClinVar:

NM_000501.4(ELN):c.197-162G>A

Gene: ELN (elastin; plus strand). Cytogenetic location: 7q11.23.
Variant type: single nucleotide variant.
Coding change: c.197-162G>A on transcript NM_000501.4 (MANE Select); 162 bases into the intron before coding-DNA position 197, G replaced by A.
Molecular consequence: intron variant.
Genome position (GRCh38, 1-based): chr7:74,041,054, G>A. VCF-style: chr7-74041054-G-A. GRCh37 (hg19) VCF-style: chr7-73455384-G-A.
Other names: c.197-162G>A (NM_001081754.3, NM_001081753.3, NM_001278939.2 and 4 more transcripts); c.197-1560G>A (NM_001278913.2); c.167-162G>A (NM_001278914.2, NM_001278917.2, NM_001081752.3 and 1 more transcripts).
Identifiers: ClinVar variation 674890 (VCV000674890.2), dbSNP rs2286257, ClinGen allele CA12615194.

ClinVar aggregate classification (germline): Benign. Review status: criteria provided, multiple submitters, no conflicts (2 of 4 stars). 2 submissions from 2 submitters: Benign (2). Last evaluated 2018-06-18.

Allele frequency attached by ClinVar (database versions not stated): gnomAD 0.11360 and 0.11420; TOPMed 0.11962; 1000 Genomes Project 30x 0.15490; 1000 Genomes Project 0.15615.
gnomAD v4.1: 17,270 of 152,110 alleles (11%); highest among the groups gnomAD compares: East Asian, 21%; 1,357 homozygotes.

Submissions (2):

GeneDx
Classification: Benign. Last evaluated: 2018-06-18. Review status: criteria provided, single submitter. Criteria: GeneDx Variant Classification (06012015). Collection method: clinical testing. Allele origin: germline. Affected: yes.
Comment: This variant is considered likely benign or benign based on one or more of the following criteria: it is a conservative change, it occurs at a poorly conserved position in the protein, it is predicted to be benign by multiple in silico algorithms, and/or has population frequency not consistent with disease.

Breakthrough Genomics
Classification: Benign. Review status: criteria provided, single submitter. Criteria: ACMG Guidelines, 2015. Collection method: not provided. Allele origin: germline. Inheritance: Autosomal dominant inheritance. Affected: yes.